The following is an entry in ClinVar:

NM_015192.4(PLCB1):c.2017A>G (p.Ile673Val)

Gene: PLCB1 (phospholipase C beta 1; plus strand). Cytogenetic location: 20p12.3.
Variant type: single nucleotide variant.
Coding change: c.2017A>G on transcript NM_015192.4 (MANE Select); coding-DNA position 2017, A replaced by G.
Protein change: p.Ile673Val; replaces isoleucine 673 with valine.
Molecular consequence: missense variant.
Genome position (GRCh38, 1-based): chr20:8,733,366, A>G. VCF-style: chr20-8733366-A-G. GRCh37 (hg19) VCF-style: chr20-8714013-A-G.
Other names: c.2017A>G, p.Ile673Val (NM_182734.3); short protein forms I673V.
Identifiers: ClinVar variation 2169822 (VCV002169822.4), dbSNP rs760229674, ClinGen allele CA9760124.

ClinVar aggregate classification (germline): Uncertain significance (1 of 4 stars; one submission).

Conditions:
Developmental and epileptic encephalopathy, 12 (DEE12). Identifiers: MedGen C3150988, MONDO:0013389, OMIM 613722.

Allele frequency attached by ClinVar (database versions not stated): ExAC 0.00001; gnomAD 0.00001; TOPMed 0.00002; gnomAD exomes 0.00003.
gnomAD v4.1: 41 of 1,613,882 alleles (0.0025%); highest among the groups gnomAD compares: Non-Finnish European, 0.0035%; no homozygotes.

Submission:

Labcorp Genetics (formerly Invitae), Labcorp
Classification: Uncertain significance for Developmental and epileptic encephalopathy, 12. Last evaluated: 2022-01-27. Review status: criteria provided, single submitter. Criteria: Invitae Variant Classification Sherloc (09022015). Collection method: clinical testing. Allele origin: germline.
Comment: This variant has not been reported in the literature in individuals affected with PLCB1-related conditions. Algorithms developed to predict the effect of missense changes on protein structure and function (SIFT, PolyPhen-2, Align-GVGD) all suggest that this variant is likely to be tolerated. In summary, the available evidence is currently insufficient to determine the role of this variant in disease. Therefore, it has been classified as a Variant of Uncertain Significance. This variant is present in population databases (rs760229674, gnomAD 0.002%). This sequence change replaces isoleucine, which is neutral and non-polar, with valine, which is neutral and non-polar, at codon 673 of the PLCB1 protein (p.Ile673Val).